The following is an entry in ClinVar:

ClinVar aggregate classification (germline): Pathogenic (1 of 4 stars; one submission).

Submission:

Labcorp Genetics (formerly Invitae), Labcorp
Classification: Pathogenic. Last evaluated: 2024-05-27. Review status: criteria provided, single submitter. Criteria: Invitae Variant Classification Sherloc (09022015). Collection method: clinical testing. Allele origin: germline.
Comment: This sequence change replaces glycine, which is neutral and non-polar, with glutamic acid, which is acidic and polar, at codon 345 of the SERPING1 protein (p.Gly345Glu). This variant is not present in population databases (gnomAD no frequency). This missense change has been observed in individuals with hereditary angioedema (Invitae). ClinVar contains an entry for this variant (Variation ID: 2137099). Advanced modeling of protein sequence and biophysical properties (such as structural, functional, and spatial information, amino acid conservation, physicochemical variation, residue mobility, and thermodynamic stability) performed at Invitae indicates that this missense variant is expected to disrupt SERPING1 protein function with a positive predictive value of 95%. This variant disrupts the p.Gly345 amino acid residue in SERPING1. Other variant(s) that disrupt this residue have been observed in individuals with SERPING1-related conditions (PMID: 15971231, 31616213), which suggests that this may be a clinically significant amino acid residue. For these reasons, this variant has been classified as Pathogenic.

Literature cited by the submitters: PubMed 15971231; PubMed 31616213.

NM_000062.3(SERPING1):c.1034G>A (p.Gly345Glu)

Gene: SERPING1 (serpin family G member 1; plus strand). Cytogenetic location: 11q12.1.
Variant type: single nucleotide variant.
Coding change: c.1034G>A on transcript NM_000062.3 (MANE Select); coding-DNA position 1034, G replaced by A.
Protein change: p.Gly345Glu; replaces glycine 345 with glutamic acid.
Molecular consequence: missense variant.
Genome position (GRCh38, 1-based): chr11:57,611,721, G>A. VCF-style: chr11-57611721-G-A. GRCh37 (hg19) VCF-style: chr11-57379194-G-A.
Other names: c.1034G>A, p.Gly345Glu (NM_001032295.2); short protein forms G345E.
Identifiers: ClinVar variation 2137099 (VCV002137099.4), dbSNP rs2495452103, ClinGen allele CA380702275.